The following is an entry in ClinVar:

NM_000321.3(RB1):c.1356G>T (p.Leu452Phe)

Gene: RB1 (RB transcriptional corepressor 1; plus strand). Cytogenetic location: 13q14.2.
Variant type: single nucleotide variant.
Coding change: c.1356G>T on transcript NM_000321.3 (MANE Select); coding-DNA position 1356, G replaced by T.
Protein change: p.Leu452Phe; replaces leucine 452 with phenylalanine.
Molecular consequence: missense variant.
Genome position (GRCh38, 1-based): chr13:48,379,617, G>T. VCF-style: chr13-48379617-G-T. GRCh37 (hg19) VCF-style: chr13-48953753-G-T.
Other names: short protein forms L452F.
Identifiers: ClinVar variation 577288 (VCV000577288.12), dbSNP rs201285819, ClinGen allele CA388162577.
Genomic context (GRCh38, chr13:48,379,617, plus strand): 5'-ATAGCAGGCTCTTATTTTTCTTTTTGTTTGTTTGTAGCGATACAAACTTGGAGTTCGCTT[G>T]TATTACCGAGTAATGGAATCCATGCTTAAATCAGTAAGTTAAAAACAATATAAAAAAATT-3'
Protein context (NP_000312.2, residues 442-462): GSQRYKLGVR[Leu452Phe]YYRVMESMLK

ClinVar aggregate classification (germline): Uncertain significance. Review status: criteria provided, multiple submitters, no conflicts (2 of 4 stars). 3 submissions from 3 submitters: Uncertain significance (3). Last evaluated 2025-06-04.

Conditions:
Hereditary cancer-predisposing syndrome. Also called: Tumor predisposition; Hereditary neoplastic syndrome; Hereditary Cancer Syndrome; Neoplastic Syndromes, Hereditary. Identifiers: Orphanet 140162, MedGen C0027672, MeSH D009386, MONDO:0015356.
Retinoblastoma (RB1). Also called: RETINOBLASTOMA, SOMATIC. Identifiers: Orphanet 790, MedGen C0035335, MeSH D012175, MONDO:0008380, OMIM 180200, HP:0009919. Disease mechanism: loss of function. Inheritance: Both sporadic and heritable forms are tested..

Submissions (3):

GeneDx
Classification: Uncertain significance. Last evaluated: 2025-06-04. Review status: criteria provided, single submitter. Criteria: GeneDx Variant Classification Process June 2021. Collection method: clinical testing. Allele origin: germline. Affected: yes.
Comment: Not observed at significant frequency in large population cohorts (gnomAD); In silico analysis supports that this missense variant has a deleterious effect on protein structure/function; Has not been previously published as pathogenic or benign to our knowledge; This variant is associated with the following publications: (PMID: Dayalan_2006_Review, 23516486)

Ambry Genetics
Classification: Uncertain significance for Hereditary cancer-predisposing syndrome. Last evaluated: 2020-05-22. Review status: criteria provided, single submitter. Criteria: Ambry Variant Classification Scheme 2023. Collection method: clinical testing. Allele origin: germline.
Comment: The p.L452F variant (also known as c.1356G>T), located in coding exon 14 of the RB1 gene, results from a G to T substitution at nucleotide position 1356. The leucine at codon 452 is replaced by phenylalanine, an amino acid with highly similar properties. This amino acid position is highly conserved in available vertebrate species. In addition, this alteration is predicted to be deleterious by in silico analysis. Since supporting evidence is limited at this time, the clinical significance of this alteration remains unclear.

Labcorp Genetics (formerly Invitae), Labcorp
Classification: Uncertain significance for Retinoblastoma. Last evaluated: 2018-06-23. Review status: criteria provided, single submitter. Criteria: Invitae Variant Classification Sherloc (09022015). Collection method: clinical testing. Allele origin: germline.
Comment: In summary, the available evidence is currently insufficient to determine the role of this variant in disease. Therefore, it has been classified as a Variant of Uncertain Significance. This sequence change replaces leucine with phenylalanine at codon 452 of the RB1 protein (p.Leu452Phe). The leucine residue is highly conserved and there is a small physicochemical difference between leucine and phenylalanine. This variant is not present in population databases (ExAC no frequency). This variant has not been reported in the literature in individuals with RB1-related disease. Algorithms developed to predict the effect of missense changes on protein structure and function are either unavailable or do not agree on the potential impact of this missense change (SIFT: "Deleterious"; PolyPhen-2: "Probably Damaging"; Align-GVGD: "Class C15").